The following is an entry in ClinVar:

NM_001111.5(ADAR):c.303T>G (p.Ser101Arg)

Gene: ADAR (adenosine deaminase RNA specific; minus strand). Cytogenetic location: 1q21.3.
Variant type: single nucleotide variant.
Coding change: c.303T>G on transcript NM_001111.5 (MANE Select); coding-DNA position 303, T replaced by G.
Protein change: p.Ser101Arg; replaces serine 101 with arginine.
Molecular consequence: missense variant. On other transcripts: 5 prime UTR variant (3), intron variant (3).
Genome position (GRCh38, 1-based): chr1:154,602,339, A>C on the plus strand (T>G on the coding strand, the complement: ADAR is on the minus strand). VCF-style: chr1-154602339-A-C. GRCh37 (hg19) VCF-style: chr1-154574815-A-C.
Other names: c.-583T>G (NM_001025107.3, NM_001193495.2, NM_001365048.1); c.330T>G, p.Ser110Arg (NM_001365045.1); c.303T>G, p.Ser101Arg (NM_015840.4, NM_015841.4); c.-493+46T>G (NM_001365046.1, NM_001365049.1, NM_001365047.1); short protein forms S110R, S101R.
Identifiers: ClinVar variation 1998072 (VCV001998072.4), dbSNP rs1697938705, ClinGen allele CA342604637.

ClinVar aggregate classification (germline): Uncertain significance (1 of 4 stars; one submission).

Conditions:
Aicardi-Goutieres syndrome 6 (AGS6). Identifiers: Orphanet 51, MedGen C3539013, MONDO:0014007, OMIM 615010.
Symmetrical dyschromatosis of extremities (DSH). Also called: DYSCHROMATOSIS SYMMETRICA HEREDITARIA 1; RETICULATE ACROPIGMENTATION OF DOHI; SYMMETRIC DYSCHROMATOSIS OF THE EXTREMITIES; Dyschromatosis symmetrica hereditaria. Identifiers: Orphanet 41, MedGen C0406775, MONDO:0007483, OMIM 127400.

Submission:

Labcorp Genetics (formerly Invitae), Labcorp
Classification: Uncertain significance for Aicardi-Goutieres syndrome 6; Symmetrical dyschromatosis of extremities. Last evaluated: 2022-05-22. Review status: criteria provided, single submitter. Criteria: Invitae Variant Classification Sherloc (09022015). Collection method: clinical testing. Allele origin: germline.
Comment: In summary, the available evidence is currently insufficient to determine the role of this variant in disease. Therefore, it has been classified as a Variant of Uncertain Significance. Algorithms developed to predict the effect of missense changes on protein structure and function output the following: SIFT: "Tolerated"; PolyPhen-2: "Benign"; Align-GVGD: "Class C0". The arginine amino acid residue is found in multiple mammalian species, which suggests that this missense change does not adversely affect protein function. This variant has not been reported in the literature in individuals affected with ADAR-related conditions. This variant is not present in population databases (gnomAD no frequency). This sequence change replaces serine, which is neutral and polar, with arginine, which is basic and polar, at codon 101 of the ADAR protein (p.Ser101Arg).